The following is an entry in ClinVar:

NM_005476.7(GNE):c.1685T>C (p.Phe562Ser)

Gene: GNE (glucosamine (UDP-N-acetyl)-2-epimerase/N-acetylmannosamine kinase; minus strand). Cytogenetic location: 9p13.3.
Variant type: single nucleotide variant.
Coding change: c.1685T>C on transcript NM_005476.7 (MANE Select); coding-DNA position 1685, T replaced by C.
Protein change: p.Phe562Ser; replaces phenylalanine 562 with serine.
Molecular consequence: missense variant.
Genome position (GRCh38, 1-based): chr9:36,219,969, A>G on the plus strand (T>C on the coding strand, the complement: GNE is on the minus strand). VCF-style: chr9-36219969-A-G. GRCh37 (hg19) VCF-style: chr9-36219966-A-G.
Other names: c.1778T>C, p.Phe593Ser (NM_001128227.3); c.1463T>C, p.Phe488Ser (NM_001190383.3); c.1355T>C, p.Phe452Ser (NM_001190384.3); c.1508T>C, p.Phe503Ser (NM_001190388.2, NM_001374798.1); c.1532T>C, p.Phe511Ser (NM_001374797.1); short protein forms F452S, F488S, F503S, F511S, F562S, F593S.
Identifiers: ClinVar variation 4814603 (VCV004814603.2).

ClinVar aggregate classification (germline): Likely pathogenic. Review status: criteria provided, multiple submitters, no conflicts (2 of 4 stars). 2 submissions from 2 submitters: Likely pathogenic (2). Last evaluated 2026-07-16.

Conditions:
GNE myopathy (NM). Also called: NONAKA DISTAL MYOPATHY; MYOPATHY, DISTAL, WITH OR WITHOUT RIMMED VACUOLES; IBM 2; Inclusion body myopathy autosomal recessive; Inclusion body myopathy quadriceps sparing; INCLUSION BODY MYOPATHY, HEREDITARY, AUTOSOMAL RECESSIVE. Identifiers: Orphanet 602, MedGen C1853926, MONDO:0011603, OMIM 605820.

Submissions (2):

Myriad Genetics, Inc.
Classification: Likely pathogenic for GNE myopathy. Last evaluated: 2026-07-16. Review status: criteria provided, single submitter. Criteria: Myriad Autosomal Dominant, Autosomal Recessive and X-Linked Classification Criteria (2023). Collection method: clinical testing. Allele origin: unknown.
Comment: NM_001128227.2(GNE):c.1778T>C(F593S) is a missense variant classified as likely pathogenic in the context of GNE myopathy. F593S has been observed in cases with relevant disease (PMID: 30390020, 35138478). Relevant functional assessments of this variant are not available in the literature. F593S has not been observed in referenced population frequency databases. In summary, NM_001128227.2(GNE):c.1778T>C(F593S) is a missense variant that has been observed more frequently in cases with the relevant disease than in healthy populations. Please note: this variant was assessed in the context of healthy population screening.

Natera, Inc.
Classification: Likely pathogenic for Nonaka myopathy. Last evaluated: 2024-12-07. Review status: criteria provided, single submitter. Criteria: Natera Variant Classification Schema (03/2026). Collection method: clinical testing. Allele origin: germline.
Comment: The c.1778T>C variant in GNE is a missense variant predicted to cause substitution of phenylalanine to serine at amino acid 593. This variant is rare in the general population with a frequency below the threshold expected for the associated phenotype(s). This variant has been observed in one or more individuals affected with the associated recessive disease, as either homozygous or compound heterozygous with a second variant (PMID: 30390020, 35138478). Given the available evidence, this variant is classified as Likely Pathogenic.

Literature cited by the submitters: PubMed 30390020 (cited by Myriad Genetics, Inc. and Natera, Inc.); PubMed 35138478 (cited by Myriad Genetics, Inc. and Natera, Inc.).